The following is an entry in ClinVar:

NM_001267550.2(TTN):c.11140A>G (p.Ile3714Val)

Gene: TTN (titin; minus strand). Cytogenetic location: 2q31.2.
Variant type: single nucleotide variant.
Coding change: c.11140A>G on transcript NM_001267550.2 (MANE Select); coding-DNA position 11140, A replaced by G.
Protein change: p.Ile3714Val; replaces isoleucine 3714 with valine.
Molecular consequence: missense variant. On other transcripts: intron variant (5).
Genome position (GRCh38, 1-based): chr2:178,756,336, T>C on the plus strand (A>G on the coding strand, the complement: TTN is on the minus strand). VCF-style: chr2-178756336-T-C. GRCh37 (hg19) VCF-style: chr2-179621063-T-C.
Other names: c.10627A>G, p.Ile3543Val (NM_133437.4); c.10165+2648A>G (NM_003319.4); c.10540+1206A>G (NM_133432.3); c.10303+2648A>G (NM_133378.4, NM_001256850.1, NM_133379.5); short protein forms I3714V, I3543V.
Identifiers: ClinVar variation 47851 (VCV000047851.5), dbSNP rs397517833, ClinGen allele CA142040.

ClinVar aggregate classification (germline): Uncertain significance (1 of 4 stars; one submission).

Submission:

Laboratory for Molecular Medicine, Mass General Brigham Personalized Medicine
Classification: Uncertain significance. Last evaluated: 2012-05-01. Review status: criteria provided, single submitter. Criteria: LMM Criteria. Collection method: clinical testing. Allele origin: germline. Observed: 1 variant allele.
Comment: The Ile3543Val variant (TTN) has not been reported in the literature nor previou sly identified by our laboratory. Computational analyses are limited or unavaila ble for this variant. Additional information is needed to fully assess the clini cal significance of the Ile3543Val variant.